The following is an entry in ClinVar:

ClinVar aggregate classification (germline): Uncertain significance (1 of 4 stars; one submission).

Submission:

Labcorp Genetics (formerly Invitae), Labcorp
Classification: Uncertain significance. Last evaluated: 2021-11-23. Review status: criteria provided, single submitter. Criteria: Invitae Variant Classification Sherloc (09022015). Collection method: clinical testing. Allele origin: germline.
Comment: This variant is not present in population databases (gnomAD no frequency). In summary, the available evidence is currently insufficient to determine the role of this variant in disease. Therefore, it has been classified as a Variant of Uncertain Significance. This variant has not been reported in the literature in individuals affected with ARHGEF10-related conditions. This sequence change creates a premature translational stop signal (p.Leu355Hisfs*10) in the ARHGEF10 gene. It is expected to result in an absent or disrupted protein product. However, the current clinical and genetic evidence is not sufficient to establish whether loss-of-function variants in ARHGEF10 cause disease.

NM_014629.4(ARHGEF10):c.1064_1065del (p.Leu355fs)

Gene: ARHGEF10 (Rho guanine nucleotide exchange factor 10; plus strand). Cytogenetic location: 8p23.3.
Variant type: Microsatellite.
Coding change: c.1064_1065del on transcript NM_014629.4 (MANE Select); coding-DNA positions 1064 to 1065, 2 bases deleted (TC; older notation c.1064_1065delTC).
Protein change: p.Leu355fs; shifts the reading frame from leucine 355.
Molecular consequence: frameshift variant.
Genome position (GRCh38, 1-based): chr8:1,882,738-1,882,739, TC deleted; deleting any 2 consecutive bases within chr8:1,882,734-1,882,739 gives the same sequence; the c. name uses the placement nearest the transcript's 3' end. VCF-style (leftmost placement, unchanged base first): chr8-1882733-GTC-G. GRCh37 (hg19) VCF-style: chr8-1830899-GTC-G.
Other names: c.950_951del, p.Leu317fs (NM_001308152.2); c.1063_1064TC[2], p.Leu356Hisfs (NM_001308153.3); short protein forms L380fs, L317fs, L355fs.
Identifiers: ClinVar variation 1475200 (VCV001475200.6), dbSNP rs2129126491, ClinGen allele CA2580614302.